The following is an entry in ClinVar:

ClinVar aggregate classification (germline): Likely pathogenic (1 of 4 stars; one submission).

Conditions:
Autosomal recessive limb-girdle muscular dystrophy type 2J (LGMDR10). Also called: Limb-girdle muscular dystrophy, type 2J; MUSCULAR DYSTROPHY, LIMB-GIRDLE, AUTOSOMAL RECESSIVE 10. Identifiers: Orphanet 140922, MedGen C1837342, MONDO:0012127, OMIM 608807.
Dilated cardiomyopathy 1G (CMD1G). Identifiers: Orphanet 154, MedGen C1858763, MONDO:0011400, OMIM 604145.

Submission:

Labcorp Genetics (formerly Invitae), Labcorp
Classification: Likely pathogenic for Dilated cardiomyopathy 1G; Autosomal recessive limb-girdle muscular dystrophy type 2J. Last evaluated: 2026-01-16. Review status: criteria provided, single submitter. Criteria: Invitae Variant Classification Sherloc (09022015). Collection method: clinical testing. Allele origin: germline.
Comment: This sequence change creates a premature translational stop signal (p.Ile24941Trpfs*11) in the TTN gene. While this is not anticipated to result in nonsense mediated decay, it is expected to create a truncated TTN protein. This variant is not present in population databases (gnomAD no frequency). This variant has not been reported in the literature in individuals affected with TTN-related conditions. This variant is located in the A band of TTN (PMID: 25589632). Truncating variants in this region are significantly overrepresented in patients affected with dilated cardiomyopathy (PMID: 25589632). Truncating variants in this region have also been reported in individuals affected with autosomal recessive centronuclear myopathy (PMID: 23975875). In summary, the currently available evidence indicates that the variant is pathogenic, but additional data are needed to prove that conclusively. Therefore, this variant has been classified as Likely Pathogenic.

Literature cited by the submitters: PubMed 25589632; PubMed 23975875.

NM_001267550.2(TTN):c.74821_74822del (p.Ile24941fs)

Genes: TTN-AS1 (TTN antisense RNA 1; plus strand), TTN (titin; minus strand). Cytogenetic location: 2q31.2.
Variant type: Deletion.
Coding change: c.74821_74822del on transcript NM_001267550.2 (MANE Select); coding-DNA positions 74821 to 74822, 2 bases deleted (AT; older notation c.74821_74822delAT).
Protein change: p.Ile24941fs; shifts the reading frame from isoleucine 24941.
Molecular consequence: frameshift variant. On other transcripts: non-coding transcript variant (1).
Genome position (GRCh38, 1-based): chr2:178,571,310-178,571,311, AT deleted on the plus strand (AT on the coding strand, the reverse complement: TTN is on the minus strand). VCF-style (leftmost placement, unchanged base first): chr2-178571309-AAT-A. GRCh37 (hg19) VCF-style: chr2-179436036-AAT-A.
Other names: c.69898_69899del, p.Ile23300fs (NM_001256850.1); c.47626_47627del, p.Ile15876fs (NM_003319.4); c.67117_67118del, p.Ile22373fs (NM_133378.4); c.48001_48002del, p.Ile16001fs (NM_133432.3); c.48202_48203del, p.Ile16068fs (NM_133437.4); short protein forms I16068fs, I22373fs, I23300fs, I15876fs, I24941fs, I16001fs.
Identifiers: ClinVar variation 4787282 (VCV004787282.1).
Genomic context (GRCh38, chr2:178,571,309, plus strand): 5'-TGTTTTATTCAACTTAACCCAGAGGATGCTATTTCTTTCCTTGCGTTCTAGATGATAGCC[AAT>A]GACTCTACTTCCTCCATCACTGATTGGCTCATTCCATTGTACTTCCATGCTGTCCCTGGA-3'